The following is an entry in ClinVar:

ClinVar aggregate classification (germline): Uncertain significance. Review status: criteria provided, multiple submitters, no conflicts (2 of 4 stars). 2 submissions from 2 submitters: Uncertain significance (2). Last evaluated 2025-11-26.

Conditions:
Inborn genetic diseases. Identifiers: MedGen C0950123, MeSH D030342.

gnomAD v4.1: 2 of 1,584,938 alleles (0.00013%); highest among the groups gnomAD compares: African/African-American, 0.0027%; no homozygotes.

Submissions (2):

Ambry Genetics
Classification: Uncertain significance for Inborn genetic diseases. Last evaluated: 2025-11-26. Review status: criteria provided, single submitter. Criteria: Ambry Variant Classification Scheme 2023. Collection method: clinical testing. Allele origin: germline.

GeneDx
Classification: Uncertain significance. Last evaluated: 2023-10-30. Review status: criteria provided, single submitter. Criteria: GeneDx Variant Classification Process June 2021. Collection method: clinical testing. Allele origin: germline. Affected: yes.
Comment: Not observed at significant frequency in large population cohorts (gnomAD); In silico analysis supports that this missense variant has a deleterious effect on protein structure/function; Occurs in the triple helical domain at the Y position in the canonical Gly-X-Y repeat; although this variant may have an effect on normal protein folding and function, missense substitution at the Y position is not a common mechanism of disease; Has not been previously published as pathogenic or benign to our knowledge

NM_001846.4(COL4A2):c.1577C>T (p.Pro526Leu)

Genes: COL4A2 (collagen type IV alpha 2 chain; plus strand), COL4A2-AS2 (COL4A2 antisense RNA 2; minus strand). Cytogenetic location: 13q34.
Variant type: single nucleotide variant.
Coding change: c.1577C>T on transcript NM_001846.4 (MANE Select); coding-DNA position 1577, C replaced by T.
Protein change: p.Pro526Leu; replaces proline 526 with leucine.
Molecular consequence: missense variant.
Genome position (GRCh38, 1-based): chr13:110,458,915, C>T. VCF-style: chr13-110458915-C-T. GRCh37 (hg19) VCF-style: chr13-111111262-C-T.
Other names: short protein forms P526L.
Identifiers: ClinVar variation 3363631 (VCV003363631.2).
Genomic context (GRCh38, chr13:110,458,915, plus strand): 5'-GCATCAACGGGGAGCCGGGGAGGAAAGGGGACAGAGGAGACCCCGGCCAACACGGCCTCC[C>T]TGGGTTCCCAGGGCTCAAGGTGAGGAGCAATTTCATCATGAAGCTGGCAAGACACTCTGA-3'
Protein context (NP_001837.2, residues 516-536): DRGDPGQHGL[Pro526Leu]GFPGLKGVPG